The following is an entry in ClinVar:

ClinVar aggregate classification (germline): Uncertain significance. Review status: criteria provided, multiple submitters, no conflicts (2 of 4 stars). 2 submissions from 2 submitters: Uncertain significance (2). Last evaluated 2025-05-21.

Conditions:
Hereditary cancer-predisposing syndrome. Also called: Hereditary Cancer Syndrome; Tumor predisposition; Hereditary neoplastic syndrome; Neoplastic Syndromes, Hereditary. Identifiers: Orphanet 140162, MedGen C0027672, MeSH D009386, MONDO:0015356.
Tuberous sclerosis 2 (TSC2). Identifiers: Orphanet 805, MedGen C1860707, MONDO:0013199, OMIM 613254.

Submissions (2):

Ambry Genetics
Classification: Uncertain significance for Hereditary cancer-predisposing syndrome. Last evaluated: 2025-05-21. Review status: criteria provided, single submitter. Criteria: Ambry Variant Classification Scheme 2023. Collection method: clinical testing. Allele origin: germline.
Comment: The p.S1764R variant (also known as c.5290A>C), located in coding exon 41 of the TSC2 gene, results from an A to C substitution at nucleotide position 5290. The serine at codon 1764 is replaced by arginine, an amino acid with dissimilar properties. This amino acid position is conserved. In addition, the in silico prediction for this alteration is inconclusive. Based on the available evidence, the clinical significance of this variant remains unclear.

Labcorp Genetics (formerly Invitae), Labcorp
Classification: Uncertain significance for Tuberous sclerosis 2. Last evaluated: 2022-08-21. Review status: criteria provided, single submitter. Criteria: Invitae Variant Classification Sherloc (09022015). Collection method: clinical testing. Allele origin: germline.
Comment: This variant is not present in population databases (gnomAD no frequency). This variant has not been reported in the literature in individuals affected with TSC2-related conditions. Advanced modeling of protein sequence and biophysical properties (such as structural, functional, and spatial information, amino acid conservation, physicochemical variation, residue mobility, and thermodynamic stability) performed at Invitae indicates that this missense variant is not expected to disrupt TSC2 protein function. In summary, the available evidence is currently insufficient to determine the role of this variant in disease. Therefore, it has been classified as a Variant of Uncertain Significance. This sequence change replaces serine, which is neutral and polar, with arginine, which is basic and polar, at codon 1764 of the TSC2 protein (p.Ser1764Arg).

NM_000548.5(TSC2):c.5290A>C (p.Ser1764Arg)

Gene: TSC2 (TSC complex subunit 2; plus strand). Cytogenetic location: 16p13.3.
Variant type: single nucleotide variant.
Coding change: c.5290A>C on transcript NM_000548.5 (MANE Select); coding-DNA position 5290, A replaced by C.
Protein change: p.Ser1764Arg; replaces serine 1764 with arginine.
Molecular consequence: missense variant.
Genome position (GRCh38, 1-based): chr16:2,088,476, A>C. VCF-style: chr16-2088476-A-C. GRCh37 (hg19) VCF-style: chr16-2138477-A-C.
Other names: c.5089A>C, p.Ser1697Arg (NM_001077183.3); c.5221A>C, p.Ser1741Arg (NM_001114382.3); c.4981A>C, p.Ser1661Arg (NM_001318827.2); c.4945A>C, p.Ser1649Arg (NM_001318829.2); c.4558A>C, p.Ser1520Arg (NM_001318831.2); c.5122A>C, p.Ser1708Arg (NM_001318832.2); c.5092A>C, p.Ser1698Arg (NM_001363528.2); c.5158A>C, p.Ser1720Arg (NM_001370404.1); and 27 more; short protein forms S1272R, S1520R, S1544R, S1648R, S1661R, S1692R, S1717R, S1727R.
Identifiers: ClinVar variation 1997198 (VCV001997198.5), dbSNP rs2151638672, ClinGen allele CA394315268.